The following is an entry in ClinVar:

ClinVar aggregate classification (germline): Conflicting classifications of pathogenicity. Review status: criteria provided, conflicting classifications (1 of 4 stars). 18 submissions from 18 submitters: Uncertain significance (1); Benign (4); Likely benign (7). 6 of the submissions do not count toward it. Last evaluated 2026-02-03.

Conditions:
AXIN2-related disorder.
Hereditary cancer-predisposing syndrome. Also called: Tumor predisposition; Hereditary neoplastic syndrome; Neoplastic Syndromes, Hereditary; Hereditary Cancer Syndrome. Identifiers: Orphanet 140162, MedGen C0027672, MeSH D009386, MONDO:0015356.
Ovarian cancer. Also called: OVARIAN CANCER, SOMATIC. Identifiers: Orphanet 213500, MedGen C1140680, MONDO:0008170, OMIM 167000.
Oligodontia-cancer predisposition syndrome. Also called: TOOTH AGENESIS-COLORECTAL CANCER SYNDROME. Identifiers: Orphanet 300576, MedGen C1837750, MONDO:0012075, OMIM 608615. Disease mechanism: loss of function.

Allele frequency attached by ClinVar (database versions not stated): 1000 Genomes Project 0.00020; 1000 Genomes Project 30x 0.00031; TOPMed 0.00040; gnomAD 0.00042 and 0.00043; ESP Exome Variant Server 0.00054; gnomAD exomes 0.00055.
gnomAD v4.1: 842 of 1,614,152 alleles (0.052%); highest among the groups gnomAD compares: Non-Finnish European, 0.063%; no homozygotes.

Submissions (18):

Labcorp Genetics (formerly Invitae), Labcorp
Classification: Likely benign for Oligodontia-cancer predisposition syndrome. Last evaluated: 2026-02-03. Review status: criteria provided, single submitter. Criteria: Invitae Variant Classification Sherloc (09022015). Collection method: clinical testing. Allele origin: germline.

Laboratorio de I+D, Fundación Centro Médico de Asturias
Classification: Benign for Hereditary cancer-predisposing syndrome. Last evaluated: 2025-07-08. Review status: criteria provided, single submitter. Criteria: ACMG Guidelines, 2015. Collection method: clinical testing. Allele origin: germline.
Comment: BS1+BP4_Moderate+BP1

Center for Genomic Medicine, Rigshospitalet, Copenhagen University Hospital
Classification: Uncertain significance. Last evaluated: 2025-03-04. Review status: criteria provided, single submitter. Criteria: ACMG Guidelines, 2015. Collection method: clinical testing. Allele origin: germline.

Blueprint Genetics
Classification: Likely benign. Last evaluated: 2024-11-07. Review status: criteria provided, single submitter. Criteria: ACMG Guidelines, 2015. Collection method: clinical testing. Allele origin: germline.

Ambry Genetics
Classification: Likely benign for Hereditary cancer-predisposing syndrome. Last evaluated: 2022-10-19. Review status: criteria provided, single submitter. Criteria: Ambry Variant Classification Scheme 2023. Collection method: clinical testing. Allele origin: germline.

CeGaT Center for Human Genetics Tuebingen
Classification: Likely benign. Last evaluated: 2022-10-01. Review status: criteria provided, single submitter. Criteria: CeGaT Center For Human Genetics Tuebingen Variant Classification Criteria Version 2. Collection method: clinical testing. Allele origin: germline. Affected: yes. Observed: 1 variant allele.
Comment: AXIN2: BP4, BS1:Supporting

Quest Diagnostics Nichols Institute San Juan Capistrano
Classification: Benign. Last evaluated: 2022-09-06. Review status: criteria provided, single submitter. Criteria: Quest Diagnostics criteria. Collection method: clinical testing. Allele origin: unknown.

GeneDx
Classification: Likely benign. Last evaluated: 2021-09-20. Review status: criteria provided, single submitter. Criteria: GeneDx Variant Classification Process June 2021. Collection method: clinical testing. Allele origin: germline. Affected: yes.
Comment: In silico analysis supports that this missense variant does not alter protein structure/function This variant is associated with the following publications: (PMID: 30262796)

Sema4
Classification: Benign for Hereditary cancer-predisposing syndrome. Last evaluated: 2020-11-17. Review status: criteria provided, single submitter. Criteria: Sema4 Curation Guidelines. Collection method: curation. Allele origin: germline.

Genetic Services Laboratory, University of Chicago
Classification: Likely benign. Last evaluated: 2020-02-26. Review status: criteria provided, single submitter. Criteria: ACMG Guidelines, 2015. Collection method: clinical testing. Allele origin: germline. Affected: no.

Mendelics
Classification: Likely benign for Oligodontia-cancer predisposition syndrome. Last evaluated: 2019-05-28. Review status: criteria provided, single submitter. Criteria: Mendelics Assertion Criteria 2017. Collection method: clinical testing. Allele origin: unknown.

Illumina Laboratory Services, Illumina
Classification: Benign for Oligodontia-cancer predisposition syndrome. Last evaluated: 2018-01-13. Review status: criteria provided, single submitter. Criteria: ICSL Variant Classification Criteria 13 December 2019. Collection method: clinical testing. Allele origin: germline.
Comment: This variant was observed in the ICSL laboratory as part of a predisposition screen in an ostensibly healthy population. It had not been previously curated by ICSL or reported in the Human Gene Mutation Database (HGMD: prior to June 1st, 2018), and was therefore a candidate for classification through an automated scoring system. Utilizing variant allele frequency, disease prevalence and penetrance estimates, and inheritance mode, an automated score was calculated to assess if this variant is too frequent to cause the disease. Based on the score and internal cut-off values, a variant classified as benign is not then subjected to further curation. The score for this variant resulted in a classification of benign for this disease.

PreventionGenetics, part of Exact Sciences
Classification: Likely benign for AXIN2-related condition. Last evaluated: 2020-06-16. Review status: no assertion criteria provided. Collection method: clinical testing. Allele origin: germline. Not counted in ClinVar's aggregate classification.
Comment: This variant is classified as likely benign based on ACMG/AMP sequence variant interpretation guidelines (Richards et al. 2015 PMID: 25741868, with internal and published modifications).

Clinical Genetics DNA and cytogenetics Diagnostics Lab, Erasmus MC, Erasmus Medical Center
Classification: Likely benign. Review status: no assertion criteria provided. Collection method: clinical testing. Allele origin: germline. Affected: yes. Study: VKGL Data-share Consensus. Not counted in ClinVar's aggregate classification.

Clinical Genetics, Academic Medical Center
Classification: Likely benign. Review status: no assertion criteria provided. Collection method: clinical testing. Allele origin: germline. Affected: yes. Study: VKGL Data-share Consensus. Not counted in ClinVar's aggregate classification.

Genome Diagnostics Laboratory, Amsterdam University Medical Center
Classification: Likely benign. Review status: no assertion criteria provided. Collection method: clinical testing. Allele origin: germline. Affected: yes. Study: VKGL Data-share Consensus. Not counted in ClinVar's aggregate classification.

Laboratory of Diagnostic Genome Analysis, Leiden University Medical Center (LUMC)
Classification: Likely benign. Review status: no assertion criteria provided. Collection method: clinical testing. Allele origin: germline. Affected: yes. Study: VKGL Data-share Consensus. Not counted in ClinVar's aggregate classification.

Laboratory of Molecular Epidemiology of Birth Defects, West China Second University Hospital, Sichuan University
Classification: Likely pathogenic for Ovarian cancer. Last evaluated: 2022-01-01. Review status: flagged submission. Criteria: ACMG Guidelines, 2015. Collection method: clinical testing. Allele origin: germline. Affected: yes. Not counted in ClinVar's aggregate classification.
ClinVar note: Reason: Outlier claim with insufficient supporting evidence

Literature cited by the submitters: PubMed 30262796 (cited by 3 submitters); PubMed 29641532 (cited by Ambry Genetics and Quest Diagnostics Nichols Institute San Juan Capistrano).

NM_004655.4(AXIN2):c.733C>T (p.Pro245Ser)

Gene: AXIN2 (axin 2; minus strand). Cytogenetic location: 17q24.1.
Variant type: single nucleotide variant.
Coding change: c.733C>T on transcript NM_004655.4 (MANE Select); coding-DNA position 733, C replaced by T.
Protein change: p.Pro245Ser; replaces proline 245 with serine.
Molecular consequence: missense variant.
Genome position (GRCh38, 1-based): chr17:65,557,888, G>A on the plus strand (C>T on the coding strand, the complement: AXIN2 is on the minus strand). VCF-style: chr17-65557888-G-A. GRCh37 (hg19) VCF-style: chr17-63554006-G-A.
Other names: p.P245S:CCA>TCA; c.733C>T (LRG_296t1); c.733C>T, p.Pro245Ser (NM_001363813.1); short protein forms P245S.
Identifiers: ClinVar variation 127948 (VCV000127948.68), dbSNP rs62640028, ClinGen allele CA288119.